The following is an entry in ClinVar:

ClinVar aggregate classification (germline): Uncertain significance (1 of 4 stars; one submission).

Allele frequency attached by ClinVar (database versions not stated): gnomAD exomes below 0.00001; TOPMed 0.00001.

Submission:

Labcorp Genetics (formerly Invitae), Labcorp
Classification: Uncertain significance. Last evaluated: 2023-11-27. Review status: criteria provided, single submitter. Criteria: Invitae Variant Classification Sherloc (09022015). Collection method: clinical testing. Allele origin: germline.
Comment: This sequence change replaces isoleucine, which is neutral and non-polar, with serine, which is neutral and polar, at codon 255 of the RHO protein (p.Ile255Ser). This variant is not present in population databases (gnomAD no frequency). This variant has not been reported in the literature in individuals affected with RHO-related conditions. ClinVar contains an entry for this variant (Variation ID: 1499275). Advanced modeling of protein sequence and biophysical properties (such as structural, functional, and spatial information, amino acid conservation, physicochemical variation, residue mobility, and thermodynamic stability) performed at Invitae indicates that this missense variant is expected to disrupt RHO protein function with a positive predictive value of 80%. In summary, the available evidence is currently insufficient to determine the role of this variant in disease. Therefore, it has been classified as a Variant of Uncertain Significance.

NM_000539.3(RHO):c.764T>G (p.Ile255Ser)

Gene: RHO (rhodopsin; plus strand). Cytogenetic location: 3q22.1.
Variant type: single nucleotide variant.
Coding change: c.764T>G on transcript NM_000539.3 (MANE Select); coding-DNA position 764, T replaced by G.
Protein change: p.Ile255Ser; replaces isoleucine 255 with serine.
Molecular consequence: missense variant.
Genome position (GRCh38, 1-based): chr3:129,532,600, T>G. VCF-style: chr3-129532600-T-G. GRCh37 (hg19) VCF-style: chr3-129251443-T-G.
Other names: short protein forms I255S.
Identifiers: ClinVar variation 1499275 (VCV001499275.8), dbSNP rs2084789222, ClinGen allele CA354470314.
Genomic context (GRCh38, chr3:129,532,600, plus strand): 5'-CCCAGCAGCAGGAGTCAGCCACCACACAGAAGGCAGAGAAGGAGGTCACCCGCATGGTCA[T>G]CATCATGGTCATCGCTTTCCTGATCTGCTGGGTGCCCTACGCCAGCGTGGCATTCTACAT-3'
Protein context (NP_000530.1, residues 245-265): KAEKEVTRMV[Ile255Ser]IMVIAFLICW